The following is an entry in ClinVar:

ClinVar aggregate classification (germline): Uncertain significance (1 of 4 stars; one submission).

gnomAD v4.1: 5 of 1,553,420 alleles (0.00032%); highest among the groups gnomAD compares: South Asian, 0.0047%; no homozygotes.

Submission:

Labcorp Genetics (formerly Invitae), Labcorp
Classification: Uncertain significance. Last evaluated: 2023-10-15. Review status: criteria provided, single submitter. Criteria: Invitae Variant Classification Sherloc (09022015). Collection method: clinical testing. Allele origin: germline.
Comment: This sequence change replaces proline, which is neutral and non-polar, with leucine, which is neutral and non-polar, at codon 29 of the COL9A2 protein (p.Pro29Leu). The frequency data for this variant in the population databases is considered unreliable, as metrics indicate poor data quality at this position in the gnomAD database. This variant has not been reported in the literature in individuals affected with COL9A2-related conditions. Advanced modeling of protein sequence and biophysical properties (such as structural, functional, and spatial information, amino acid conservation, physicochemical variation, residue mobility, and thermodynamic stability) performed at Invitae indicates that this missense variant is not expected to disrupt COL9A2 protein function. In summary, the available evidence is currently insufficient to determine the role of this variant in disease. Therefore, it has been classified as a Variant of Uncertain Significance.

NM_001852.4(COL9A2):c.86C>T (p.Pro29Leu)

Genes: COL9A2 (collagen type IX alpha 2 chain; minus strand), LOC129930261 (ATAC-STARR-seq lymphoblastoid silent region 724; plus strand). Cytogenetic location: 1p34.2.
Variant type: single nucleotide variant.
Coding change: c.86C>T on transcript NM_001852.4 (MANE Select); coding-DNA position 86, C replaced by T.
Protein change: p.Pro29Leu; replaces proline 29 with leucine.
Molecular consequence: missense variant.
Genome position (GRCh38, 1-based): chr1:40,315,654, G>A on the plus strand (C>T on the coding strand, the complement: COL9A2 is on the minus strand). VCF-style: chr1-40315654-G-A. GRCh37 (hg19) VCF-style: chr1-40781326-G-A.
Other names: short protein forms P29L.
Identifiers: ClinVar variation 2886362 (VCV002886362.3), dbSNP rs1307015947, ClinGen allele CA339859927.